The following is an entry in ClinVar:

ClinVar aggregate classification (germline): Uncertain significance (1 of 4 stars; one submission).

Submission:

GeneDx
Classification: Uncertain significance. Last evaluated: 2024-07-24. Review status: criteria provided, single submitter. Criteria: GeneDx Variant Classification Process June 2021. Collection method: clinical testing. Allele origin: germline. Affected: yes.
Comment: Not observed at significant frequency in large population cohorts (gnomAD); In silico analysis indicates that this missense variant does not alter protein structure/function; Has not been previously published as pathogenic or benign to our knowledge

NM_000719.7(CACNA1C):c.1753G>T (p.Val585Leu)

Gene: CACNA1C (calcium voltage-gated channel subunit alpha1 C; plus strand). Cytogenetic location: 12p13.33.
Variant type: single nucleotide variant.
Coding change: c.1753G>T on transcript NM_000719.7 (MANE Select); coding-DNA position 1753, G replaced by T.
Protein change: p.Val585Leu; replaces valine 585 with leucine.
Molecular consequence: missense variant.
Genome position (GRCh38, 1-based): chr12:2,567,652, G>T. VCF-style: chr12-2567652-G-T. GRCh37 (hg19) VCF-style: chr12-2676818-G-T.
Other names: c.1753G>T, p.Val585Leu (NM_001129827.2, NM_001129829.2, NM_001129830.3 and 18 more transcripts); c.1744G>T, p.Val582Leu (NM_001129844.2); short protein forms V582L, V585L.
Identifiers: ClinVar variation 1684106 (VCV001684106.3), dbSNP rs763738559, ClinGen allele CA383368933.